The following is an entry in ClinVar:

ClinVar aggregate classification (germline): Uncertain significance (1 of 4 stars; one submission).

Conditions:
Charcot-Marie-Tooth disease type 2. Also called: Charcot-Marie-Tooth type 2. Identifiers: Orphanet 64746, MedGen C0270914, MONDO:0018993.

Submission:

Labcorp Genetics (formerly Invitae), Labcorp
Classification: Uncertain significance for Charcot-Marie-Tooth disease type 2. Last evaluated: 2022-04-21. Review status: criteria provided, single submitter. Criteria: Invitae Variant Classification Sherloc (09022015). Collection method: clinical testing. Allele origin: germline.
Comment: This sequence change replaces valine, which is neutral and non-polar, with glutamic acid, which is acidic and polar, at codon 506 of the AARS protein (p.Val506Glu). This variant is not present in population databases (gnomAD no frequency). This variant has not been reported in the literature in individuals affected with AARS-related conditions. Algorithms developed to predict the effect of missense changes on protein structure and function (SIFT, PolyPhen-2, Align-GVGD) all suggest that this variant is likely to be disruptive. Algorithms developed to predict the effect of sequence changes on RNA splicing suggest that this variant may disrupt the consensus splice site. In summary, the available evidence is currently insufficient to determine the role of this variant in disease. Therefore, it has been classified as a Variant of Uncertain Significance.

NM_001605.3(AARS1):c.1517T>A (p.Val506Glu)

Gene: AARS1 (alanyl-tRNA synthetase 1; minus strand). Cytogenetic location: 16q22.1.
Variant type: single nucleotide variant.
Coding change: c.1517T>A on transcript NM_001605.3 (MANE Select); coding-DNA position 1517, T replaced by A.
Protein change: p.Val506Glu; replaces valine 506 with glutamic acid.
Molecular consequence: missense variant.
Genome position (GRCh38, 1-based): chr16:70,262,500, A>T on the plus strand (T>A on the coding strand, the complement: AARS1 is on the minus strand). VCF-style: chr16-70262500-A-T. GRCh37 (hg19) VCF-style: chr16-70296403-A-T.
Other names: short protein forms V506E.
Identifiers: ClinVar variation 2128773 (VCV002128773.4), dbSNP rs1597437820, ClinGen allele CA396560343.